The following is an entry in ClinVar:

ClinVar aggregate classification (germline): Uncertain significance (1 of 4 stars; one submission).

Submission:

Labcorp Genetics (formerly Invitae), Labcorp
Classification: Uncertain significance. Last evaluated: 2021-08-31. Review status: criteria provided, single submitter. Criteria: Invitae Variant Classification Sherloc (09022015). Collection method: clinical testing. Allele origin: germline.
Comment: This variant has not been reported in the literature in individuals affected with FN1-related conditions. In summary, the available evidence is currently insufficient to determine the role of this variant in disease. Therefore, it has been classified as a Variant of Uncertain Significance. Variants that disrupt the consensus splice site are a relatively common cause of aberrant splicing (PMID: 17576681, 9536098). Algorithms developed to predict the effect of sequence changes on RNA splicing suggest that this variant may disrupt the consensus splice site. This variant is not present in population databases (ExAC no frequency). This sequence change falls in intron 5 of the FN1 gene. It does not directly change the encoded amino acid sequence of the FN1 protein. It affects a nucleotide within the consensus splice site of the intron.

Literature cited by the submitters: PubMed 17576681; PubMed 9536098.

NM_212482.4(FN1):c.685+5G>A

Gene: FN1 (fibronectin 1; minus strand). Cytogenetic location: 2q35.
Variant type: single nucleotide variant.
Coding change: c.685+5G>A on transcript NM_212482.4 (MANE Select); 5 bases into the intron after coding-DNA position 685, G replaced by A.
Molecular consequence: intron variant.
Genome position (GRCh38, 1-based): chr2:215,430,710, C>T on the plus strand (G>A on the coding strand, the complement: FN1 is on the minus strand). VCF-style: chr2-215430710-C-T. GRCh37 (hg19) VCF-style: chr2-216295433-C-T.
Other names: c.685+5G>A (NM_212474.3, NM_001306132.2, NM_001365523.2 and 14 more transcripts).
Identifiers: ClinVar variation 1477211 (VCV001477211.6), dbSNP rs2106514540, ClinGen allele CA2573135336.